The following is an entry in ClinVar:

ClinVar aggregate classification (germline): Uncertain significance (1 of 4 stars; one submission).

Conditions:
H syndrome. Also called: Pigmented hypertrichosis and insulin-dependent diabetes mellitus; FAISALABAD HISTIOCYTOSIS; Histiocytosis with joint contractures and sensorineural deafness; HISTIOCYTOSIS AND LYMPHADENOPATHY WITH OR WITHOUT CUTANEOUS, CARDIAC, AND/OR ENDOCRINE FEATURES, JOINT CONTRACTURES, AND/OR DEAFNESS; HYPERPIGMENTATION, CUTANEOUS, WITH HYPERTRICHOSIS, HEPATOSPLENOMEGALY, HEART ANOMALIES, AND HYPOGONADISM WITH OR WITHOUT HEARING LOSS; PIGMENTED HYPERTRICHOSIS WITH INSULIN-DEPENDENT DIABETES MELLITUS. Identifiers: Orphanet 168569, MedGen C1864445, MONDO:0011273, OMIM 602782.

Allele frequency attached by ClinVar (database versions not stated): gnomAD exomes below 0.00001.
gnomAD v4.1: 1 of 1,614,176 alleles (0.000062%); highest among the groups gnomAD compares: Non-Finnish European, 0.000085%; no homozygotes.

Submission:

Labcorp Genetics (formerly Invitae), Labcorp
Classification: Uncertain significance for H syndrome. Last evaluated: 2023-07-17. Review status: criteria provided, single submitter. Criteria: Invitae Variant Classification Sherloc (09022015). Collection method: clinical testing. Allele origin: germline.
Comment: Advanced modeling of protein sequence and biophysical properties (such as structural, functional, and spatial information, amino acid conservation, physicochemical variation, residue mobility, and thermodynamic stability) performed at Invitae indicates that this missense variant is not expected to disrupt SLC29A3 protein function. ClinVar contains an entry for this variant (Variation ID: 1058674). This variant has not been reported in the literature in individuals affected with SLC29A3-related conditions. This variant is not present in population databases (gnomAD no frequency). This sequence change replaces isoleucine, which is neutral and non-polar, with valine, which is neutral and non-polar, at codon 133 of the SLC29A3 protein (p.Ile133Val). In summary, the available evidence is currently insufficient to determine the role of this variant in disease. Therefore, it has been classified as a Variant of Uncertain Significance.

NM_018344.6(SLC29A3):c.397A>G (p.Ile133Val)

Gene: SLC29A3 (solute carrier family 29 member 3; plus strand). Cytogenetic location: 10q22.1.
Variant type: single nucleotide variant.
Coding change: c.397A>G on transcript NM_018344.6 (MANE Select); coding-DNA position 397, A replaced by G.
Protein change: p.Ile133Val; replaces isoleucine 133 with valine.
Molecular consequence: missense variant. On other transcripts: non-coding transcript variant (1).
Genome position (GRCh38, 1-based): chr10:71,351,575, A>G. VCF-style: chr10-71351575-A-G. GRCh37 (hg19) VCF-style: chr10-73111332-A-G.
Other names: c.397A>G, p.Ile133Val (NM_001174098.2); c.163A>G, p.Ile55Val (NM_001363518.2); short protein forms I133V, I55V.
Identifiers: ClinVar variation 1058674 (VCV001058674.9), dbSNP rs2131838911, ClinGen allele CA377109332.